The following is an entry in ClinVar:

ClinVar aggregate classification (germline): Likely benign (1 of 4 stars; one submission).

Allele frequency attached by ClinVar (database versions not stated): TOPMed 0.00001; gnomAD exomes 0.00005; gnomAD 0.00006; ExAC 0.00012; 1000 Genomes Project 0.00040; 1000 Genomes Project 30x 0.00047.
gnomAD v4.1: 88 of 1,614,218 alleles (0.0055%); highest among the groups gnomAD compares: South Asian, 0.086%; 1 homozygote.

Submission:

CeGaT Center for Human Genetics Tuebingen
Classification: Likely benign. Last evaluated: 2023-04-01. Review status: criteria provided, single submitter. Criteria: CeGaT Center For Human Genetics Tuebingen Variant Classification Criteria Version 2. Collection method: clinical testing. Allele origin: germline. Affected: yes. Observed: 1 variant allele.
Comment: ATP2B2: BP4, BP7

NM_001001331.4(ATP2B2):c.2040C>T (p.Pro680=)

Gene: ATP2B2 (ATPase plasma membrane Ca2+ transporting 2; minus strand). Cytogenetic location: 3p25.3.
Variant type: single nucleotide variant.
Coding change: c.2040C>T on transcript NM_001001331.4 (MANE Select); coding-DNA position 2040, C replaced by T.
Protein change: p.Pro680=; no amino-acid change (proline 680 retained).
Molecular consequence: synonymous variant.
Genome position (GRCh38, 1-based): chr3:10,358,787, G>A on the plus strand (C>T on the coding strand, the complement: ATP2B2 is on the minus strand). VCF-style: chr3-10358787-G-A. GRCh37 (hg19) VCF-style: chr3-10400471-G-A.
Other names: c.1905C>T, p.Pro635= (NM_001330611.3, NM_001353564.1, NM_001363862.1 and 1 more transcripts).
Identifiers: ClinVar variation 2653522 (VCV002653522.24), dbSNP rs539198139, ClinGen allele CA2253511.